The following is an entry in ClinVar:

NM_024577.4(SH3TC2):c.2439G>C (p.Lys813Asn)

Gene: SH3TC2 (SH3 domain and tetratricopeptide repeats 2; minus strand). Cytogenetic location: 5q32.
Variant type: single nucleotide variant.
Coding change: c.2439G>C on transcript NM_024577.4 (MANE Select); coding-DNA position 2439, G replaced by C.
Protein change: p.Lys813Asn; replaces lysine 813 with asparagine.
Molecular consequence: missense variant.
Genome position (GRCh38, 1-based): chr5:149,027,293, C>G on the plus strand (G>C on the coding strand, the complement: SH3TC2 is on the minus strand). VCF-style: chr5-149027293-C-G. GRCh37 (hg19) VCF-style: chr5-148406856-C-G.
Other names: short protein forms K813N.
Identifiers: ClinVar variation 4985269 (VCV004985269.1).
Genomic context (GRCh38, chr5:149,027,293, plus strand): 5'-AGTGAGACTCTCTGTCTCCTTCAGGGAGCATAGCAGTGGCTCAAGCACATCCAAAGCCTT[C>G]TTGGCCTGGCTGGCTAAGAGATAGGCCCATGCCAGGCAGAGAGAAGACTCAAAGGATTCC-3'
Protein context (NP_078853.2, residues 803-823): AWAYLLASQA[Lys813Asn]KALDVLEPLL

ClinVar aggregate classification (germline): Uncertain significance (1 of 4 stars; one submission).

Conditions:
SH3TC2-related disorder. Also called: SH3TC2-related condition; SH3TC2-related disorders. Identifiers: MedGen CN239303.

Submission:

PreventionGenetics, part of Exact Sciences
Classification: Uncertain significance for SH3TC2-related condition. Last evaluated: 2026-05-30. Review status: criteria provided, single submitter. Criteria: ACMG Guidelines, 2015. Collection method: clinical testing. Allele origin: germline.
Comment: The SH3TC2 c.2439G>C variant is predicted to result in the amino acid substitution p.Lys813Asn. To our knowledge, this variant has not been reported in the literature or in a large population database (gnomAD), indicating this variant is rare. At this time, the clinical significance of this variant is uncertain due to the absence of conclusive functional and genetic evidence.